The following is an entry in ClinVar:

NM_001182.5(ALDH7A1):c.1094-280dup

Gene: ALDH7A1 (aldehyde dehydrogenase 7 family member A1; minus strand). Cytogenetic location: 5q23.2.
Variant type: Duplication.
Coding change: c.1094-280dup on transcript NM_001182.5 (MANE Select); 280 bases into the intron before coding-DNA position 1094, one base duplicated (A; older notation c.1094-280dupA).
Molecular consequence: intron variant.
Genome position (GRCh38, 1-based): chr5:126,554,666, T duplicated on the plus strand (A on the coding strand, the reverse complement: ALDH7A1 is on the minus strand); the first of 8 consecutive T bases (chr5:126,554,666-126,554,673); duplicating any one gives the same sequence. VCF-style (leftmost placement, unchanged base first): chr5-126554665-C-CT. GRCh37 (hg19) VCF-style: chr5-125890357-C-CT.
Other names: c.1009-2536dup (NM_001202404.2); c.1010-280dup (NM_001201377.2).
Identifiers: ClinVar variation 667963 (VCV000667963.1), dbSNP rs70994877, ClinGen allele CA126887798.

ClinVar aggregate classification (germline): Benign (1 of 4 stars; one submission).

Submission:

GeneDx
Classification: Benign. Last evaluated: 2018-06-18. Review status: criteria provided, single submitter. Criteria: GeneDx Variant Classification (06012015). Collection method: clinical testing. Allele origin: germline. Affected: yes.
Comment: This variant is considered likely benign or benign based on one or more of the following criteria: it is a conservative change, it occurs at a poorly conserved position in the protein, it is predicted to be benign by multiple in silico algorithms, and/or has population frequency not consistent with disease.